The following is an entry in ClinVar:

ClinVar aggregate classification (germline): Pathogenic (1 of 4 stars; one submission).

Conditions:
Fanconi anemia (FA). Also called: Fanconi's anemia. Identifiers: Orphanet 84, MedGen C0015625, MeSH D005199, MONDO:0019391.

Submission:

Labcorp Genetics (formerly Invitae), Labcorp
Classification: Pathogenic for Fanconi anemia. Last evaluated: 2023-10-30. Review status: criteria provided, single submitter. Criteria: Invitae Variant Classification Sherloc (09022015). Collection method: clinical testing. Allele origin: unknown.
Comment: This variant is a gross deletion of the genomic region encompassing exon(s) 2-26 of the FANCD2 gene, which includes the initiator codon. This deletion extends beyond the assayed region for this gene and therefore may encompass additional genes. It is expected to result in an absent or disrupted protein product. Loss-of-function variants in FANCD2 are known to be pathogenic (PMID: 17436244). This variant has not been reported in the literature in individuals affected with FANCD2-related conditions. For these reasons, this variant has been classified as Pathogenic.

Literature cited by the submitters: PubMed 17436244.

NC_000003.11:g.(?_10070342)_(10109021_?)del

Gene: FANCD2 (FA complementation group D2; plus strand). Cytogenetic location: 3p25.3.
Variant type: Deletion.
Identifiers: ClinVar variation 3246820 (VCV003246820.1).